The following is an entry in ClinVar:

ClinVar aggregate classification (germline): Uncertain significance (1 of 4 stars; one submission).

Conditions:
Ataxia-telangiectasia syndrome (AT). Also called: Ataxia-telangiectasia, complementation group D; AT, COMPLEMENTATION GROUP C; Ataxia-telangiectasia; Ataxia telangiectasia (A-T); LOUIS-BAR SYNDROME; Cerebello-oculocutaneous telangiectasia. Identifiers: Orphanet 100, MedGen C0004135, MONDO:0008840, OMIM 208900.

gnomAD v4.1: 1 of 1,612,662 alleles (0.000062%); highest among the groups gnomAD compares: Admixed American, 0.0017%; no homozygotes.

Submission:

Labcorp Genetics (formerly Invitae), Labcorp
Classification: Uncertain significance for Ataxia-telangiectasia syndrome. Last evaluated: 2025-02-17. Review status: criteria provided, single submitter. Criteria: Invitae Variant Classification Sherloc (09022015). Collection method: clinical testing. Allele origin: germline.
Comment: This sequence change replaces tyrosine, which is neutral and polar, with histidine, which is basic and polar, at codon 1475 of the ATM protein (p.Tyr1475His). This variant is not present in population databases (gnomAD no frequency). This variant has not been reported in the literature in individuals affected with ATM-related conditions. Invitae Evidence Modeling of protein sequence and biophysical properties (such as structural, functional, and spatial information, amino acid conservation, physicochemical variation, residue mobility, and thermodynamic stability) indicates that this missense variant is not expected to disrupt ATM protein function with a negative predictive value of 95%. In summary, the available evidence is currently insufficient to determine the role of this variant in disease. Therefore, it has been classified as a Variant of Uncertain Significance.

NM_000051.4(ATM):c.4423T>C (p.Tyr1475His)

Gene: ATM (ATM serine/threonine kinase; plus strand). Cytogenetic location: 11q22.3.
Variant type: single nucleotide variant.
Coding change: c.4423T>C on transcript NM_000051.4 (MANE Select); coding-DNA position 4423, T replaced by C.
Protein change: p.Tyr1475His; replaces tyrosine 1475 with histidine.
Molecular consequence: missense variant.
Genome position (GRCh38, 1-based): chr11:108,289,788, T>C. VCF-style: chr11-108289788-T-C. GRCh37 (hg19) VCF-style: chr11-108160515-T-C.
Other names: c.4423T>C, p.Tyr1475His (NM_001351834.2); short protein forms Y1475H.
Identifiers: ClinVar variation 4748538 (VCV004748538.1).
Genomic context (GRCh38, chr11:108,289,788, plus strand): 5'-AGTGGCTTAGGAGGAGCTTGGGCCTTTGTTCTTCGAGACGTTATTTATACTTTGATTCAC[T>C]ATATCAACCAAAGGTAAATAACATATTTAGACCAATATATAAGCAGTCTTTCTATCCTGT-3'
Protein context (NP_000042.3, residues 1465-1485): LRDVIYTLIH[Tyr1475His]INQRPSCIMD